The following is an entry in ClinVar:

ClinVar aggregate classification (germline): Pathogenic/Likely pathogenic. Review status: criteria provided, multiple submitters, no conflicts (2 of 4 stars). 2 submissions from 2 submitters: Pathogenic (1); Likely pathogenic (1). Last evaluated 2025-06-30.

Conditions:
Retinitis pigmentosa 59 (RP59). Identifiers: Orphanet 791, MedGen C3151227, MONDO:0013468, OMIM 613861.

Submissions (2):

Natera, Inc.
Classification: Likely pathogenic for Retinitis pigmentosa type 59. Last evaluated: 2025-06-30. Review status: criteria provided, single submitter. Criteria: Natera Variant Classification Schema (03/2026). Collection method: clinical testing. Allele origin: germline.
Comment: The c.517dupG variant in DHDDS is a frameshift variant predicted to shift the reading frame beginning at codon 173 and leads to a stop codon 10 codons downstream. This variant is expected to result in nonsense mediated decay, truncation, or a dysfunctional protein product. This variant is rare in the general population with a frequency below the threshold expected for the associated phenotype(s). Given the available evidence, this variant is classified as Likely Pathogenic.

Labcorp Genetics (formerly Invitae), Labcorp
Classification: Pathogenic for Retinitis pigmentosa 59. Last evaluated: 2021-04-17. Review status: criteria provided, single submitter. Criteria: Invitae Variant Classification Sherloc (09022015). Collection method: clinical testing. Allele origin: germline.
Comment: For these reasons, this variant has been classified as Pathogenic. This variant has not been reported in the literature in individuals with DHDDS-related conditions. This variant is not present in population databases (ExAC no frequency). This sequence change creates a premature translational stop signal (p.Val173Glyfs*10) in the DHDDS gene. It is expected to result in an absent or disrupted protein product. Loss-of-function variants in DHDDS are known to be pathogenic (PMID: 24664742).

Literature cited by the submitters: PubMed 24664742 (cited by Labcorp Genetics (formerly Invitae), Labcorp).

NM_205861.3(DHDDS):c.517dup (p.Val173fs)

Gene: DHDDS (dehydrodolichyl diphosphate synthase subunit; plus strand). Cytogenetic location: 1p36.11.
Variant type: Duplication.
Coding change: c.517dup on transcript NM_205861.3 (MANE Select); coding-DNA position 517, one base duplicated (G; older notation c.517dupG).
Protein change: p.Val173fs; shifts the reading frame from valine 173.
Molecular consequence: frameshift variant. On other transcripts: intron variant (1).
Genome position (GRCh38, 1-based): chr1:26,447,635, G duplicated; the last of 6 consecutive G bases (chr1:26,447,630-26,447,635); duplicating any one gives the same sequence. VCF-style (leftmost placement, unchanged base first): chr1-26447629-T-TG. GRCh37 (hg19) VCF-style: chr1-26774120-T-TG.
Other names: c.517dupG (NM_024887.3); c.400dup, p.Val134fs (NM_001243565.2); c.238dup, p.Val80fs (NM_001319959.2); c.517dup, p.Val173fs (NM_024887.4); c.440+1203dup (NM_001243564.2); short protein forms V134fs, V173fs, V80fs.
Identifiers: ClinVar variation 1069729 (VCV001069729.8), dbSNP rs1272594778, ClinGen allele CA734509655.